The following continues an entry in ClinVar:

NM_000313.4(PROS1):c.1501T>C (p.Ser501Pro)

Gene: PROS1. ClinVar aggregate classification (germline): Conflicting classifications of pathogenicity. Pathogenic (1); Likely pathogenic (1); Uncertain significance (9).

Submissions 8 to 15 of 15:

Laboratory for Molecular Medicine, Mass General Brigham Personalized Medicine
Classification: Uncertain significance. Last evaluated: 2019-02-04. Review status: criteria provided, single submitter. Criteria: LMM Criteria. Collection method: clinical testing. Allele origin: germline. Observed: 1 variant allele.
Comment: The p.Ser501Pro variant in PROS1 (also reported as p.Ser460Pro or PS Heerlen) has been identified in >20 individuals with protein S deficiency type III (Duchemin 1995, Espinosa-Parrilla 2000, Beachamp 2004, ten Kate 2008, Varvenne 2011, Mulder 2012, Wypasek 2014). While the variant segregated with protein S deficiency in >10 affected family members (Duchemin 1995, Espinosa-Parrilla 2000, Beachamp 2004, ten Kate 2008), there were also multiple individuals in these families who had protein S deficiency but were negative for the p.Ser501Pro variant (Espinosa-Parrilla 2000, ten Kate 2008). Computational prediction tools and conservation analysis suggest that this variant may not impact the protein, though this information is not predictive enough to rule out pathogenicity. In vivo and in vitro functional studies provide some evidence that this variant may impact protein S function (Duchemin 1995, Denis 2005); however, these types of assays may not accurately represent biological function. This variant has also been identified in individuals with normal protein S levels (Espinosa-Parrilla 2000, Beauchamp 2004, ten Kate 2008) and in 0.33% (425/129150) of European chromosomes in gnomAD. The variant is also present in ClinVar with conflicting interpretations (Variation ID: 13316). While one meta-analysis has reported an odds ratio of 4-10 for venous thrombosis in French individuals who are heterozygous for this variant (Suchon 2017), this result has not been replicated. Furthermore, other studies find no association between this or other PROS1 variants and the risk for thrombosis (Alhenc-Gelas 2010, Pintao 2013). In summary, given the conflicting data regarding the impact of this variant on plasma protein S levels and risk for thrombosis, the clinical significance of the p.Ser501Pro variant is uncertain. ACMG/AMP criteria applied: PP1_Strong, PS3_Supporting, BS4, BS1_Supporting, BP4.

Equipe Genetique des Anomalies du Developpement, Université de Bourgogne
Classification: Uncertain significance for Thrombophilia due to protein S deficiency, autosomal dominant. Last evaluated: 2018-11-21. Review status: criteria provided, single submitter. Criteria: ACMG Guidelines, 2015. Collection method: clinical testing. Allele origin: unknown.

Illumina Laboratory Services, Illumina
Classification: Uncertain significance for Thrombophilia due to protein S deficiency, autosomal dominant. Last evaluated: 2018-02-16. Review status: criteria provided, single submitter. Criteria: ICSL Variant Classification Criteria 13 December 2019. Collection method: clinical testing. Allele origin: germline.
Comment: This variant was observed as part of a predisposition screen in an ostensibly healthy population. A literature search was performed for the gene, cDNA change, and amino acid change (where applicable). Publications were found based on this search. However, the evidence from the literature, in combination with allele frequency data from public databases where available, was not sufficient to rule this variant in or out of causing disease. Therefore, this variant is classified as a variant of unknown significance.

ISTH-SSC Genomics in Thrombosis and Hemostasis, KU Leuven, Center for Molecular and Vascular Biology
Classification: Likely pathogenic for Thrombophilia due to protein S deficiency, autosomal dominant. Review status: criteria provided, single submitter. Criteria: ACMG Guidelines, 2015. Collection method: clinical testing. Allele origin: germline. Affected: yes. Observed: 2 heterozygotes. Clinical features observed: Low protein S levels, Deep vein thrombosis.
Comment: Submitted to GoldVariant by Kathleen Freson, Center for Molecular and Vascular Biology, Leuven, Belgium

Department of Transfusion Medicine and Hemostaseology, University Hospital Erlangen
Classification: Uncertain significance for Thrombophilia due to protein S deficiency, autosomal dominant. Last evaluated: 2025-09-01. Review status: no assertion criteria provided. Collection method: clinical testing. Allele origin: germline. Not counted in ClinVar's aggregate classification.
Comment: This variant was identified during a screening of patients with suspected hereditary Protein S deficiency. It has been repeatedly described in the literature as correlating with mild protein S deficiency (PMID: e.g., 7579448, 15147381, 28374852) and has been characterized in vitro as causative for Protein S deficiency (PMID: e.g., 10887114, 15456488). According to dbSNP it represents a very rare genetic alteration, previously detected in the European population in heterozygous state only according to the Allele Frequency Aggregator dataset. Several in silico variant effect prediction tools (PolyPhen-2, SIFT, AlphaMissense) classify this variant as likely benign. Taken together, we classified this variant as of uncertain significance.

Zotz-Klimas Genetics Lab, MVZ Zotz Klimas
Classification: Uncertain significance for Thrombophilia due to protein S deficiency, autosomal dominant. Last evaluated: 2023-10-09. Review status: no assertion criteria provided. Collection method: clinical testing. Allele origin: germline. Affected: yes. Not counted in ClinVar's aggregate classification.

OMIM
Classification: Pathogenic for PROTEIN S HEERLEN. Last evaluated: 2004-06-01. Review status: no assertion criteria provided. Collection method: literature only. Allele origin: germline. Not counted in ClinVar's aggregate classification.

Department of Pathology and Laboratory Medicine, Sinai Health System
Classification: Uncertain significance. Review status: no assertion criteria provided. Collection method: clinical testing. Allele origin: unknown. Affected: yes. Study: The Canadian Open Genetics Repository (COGR). Not counted in ClinVar's aggregate classification.
Comment: The PROS1 p.Ser533Pro variant, also commonly referred to as the Heerlen variant, was identified in 141 of 11096 proband chromosomes (frequency: 0.0127) from individuals or families with venous thrombosis or Protein S deficiency (Labrouche_2003_PMID:12960605, Bertina_1990_PMID:2143091, Suchon_2017_PMID:28374852, Borgel_1996_PMID:8765219).The variant was identified in dbSNP (ID: rs121918472) and ClinVar (classified as a VUS by Invitae and Equipe Genetique des Anomalies du Developpement, UniversitâˆšÂ© de Bourgogne in 2018 and as likely benign by PreventionGenetics). The variant was identified in control databases in 570 of 282838 chromosomes (1 homozygous) at a frequency of 0.002015 increasing the likelihood this could be a low frequency benign variant (Genome Aggregation Database Feb 27, 2017). The variant was observed in the following populations: European (non-Finnish) in 425 of 129150 chromosomes (freq: 0.003291), European (Finnish) in 37 of 25124 chromosomes (freq: 0.001473), Latino in 51 of 35432 chromosomes (freq: 0.001439), Other in 10 of 7226 chromosomes (freq: 0.001384), South Asian in 35 of 30616 chromosomes (freq: 0.001143), African in 9 of 24970 chromosomes (freq: 0.00036), Ashkenazi Jewish in 2 of 10368 chromosomes (freq: 0.000193), and East Asian in 1 of 19952 chromosomes (freq: 0.00005). Evidence for this variantâ€šÃ„Ã´s role in protein S (encoded by PROS1) deficiency and venous thrombosis is conflicting. One study identified that the variant segregated with protein S deficiency in seven families, though a few carriers were unaffected (Duchemin_1995_PMID:7579448). Other studies have also found that the variant segregates with protein S deficiency, and that individuals homozygous for the Heerlen variant have been reported to have lower protein S levels and a more severe type I form compared to individuals that are heterozygous (Espinosa-Parilla_2000_PMID:10669162). Several studies report a statistically significant increase in the Heerlen allele frequency in individuals with low protein S levels and/or venous thrombosis (Borgel_1996_PMID:8765219, Duchemin_1995_PMID:7579448, Suchon_2017_PMID:28374852). However, other studies have identified the variant at a similar frequency in controls as well as affected individuals (PMID: Bertina_1990_2143091, Pintao_2013_PMID:24014240). One functional study reports a synergy with Factor V Leiden mutation and a reduced capacity for the Heerlen variant to act as a co-factor for APC (Giri_2010_PMID:10887114). Therefore it is unclear at this time if the Heerlen variant is pathogenic for venous thrombosis or Protein S deficiency, however it may contribute risk in conjuction with other genetic factors. The variant occurs outside of the splicing consensus sequence and in silico or computational prediction software programs (SpliceSiteFinder, MaxEntScan, NNSPLICE, GeneSplicer) do not predict a difference in splicing. The p.Ser533 residue is not conserved in mammals and computational analyses (PolyPhen-2, SIFT, AlignGVGD, BLOSUM, MutationTaster) provide inconsistent predictions regarding the impact to the protein; this information is not very predictive of pathogenicity. In summary, based on the above information the clinical significance of this variant cannot be determined with certainty at this time. This variant is classified as a variant of uncertain significance.

Literature cited by the submitters: PubMed 10669162 (cited by 4 submitters); PubMed 10887114 (cited by 4 submitters); PubMed 16100035 (cited by 3 submitters); PubMed 2143091 (cited by 6 submitters); PubMed 24365770 (cited by 4 submitters); PubMed 28374852 (cited by 6 submitters); PubMed 34355501 (cited by Mayo Clinic Laboratories, Mayo Clinic); PubMed 7579448 (cited by 6 submitters); PubMed 12960605 (cited by 3 submitters); PubMed 15147381 (cited by 5 submitters); PubMed 15175796 (cited by Institute of Human Genetics, Univ. Regensburg, Univ. Regensburg and Illumina Laboratory Services, Illumina); PubMed 21764424 (cited by 3 submitters); PubMed 22273984 (cited by 3 submitters); PubMed 28607330 (cited by Institute of Human Genetics, Univ. Regensburg, Univ. Regensburg and Illumina Laboratory Services, Illumina); PubMed 31064749 (cited by Institute of Human Genetics, Univ. Regensburg, Univ. Regensburg); PubMed 31019283 (cited by Institute of Human Genetics, Univ. Regensburg, Univ. Regensburg); PubMed 34729451 (cited by Institute of Human Genetics, Univ. Regensburg, Univ. Regensburg); PubMed 34533296 (cited by Institute of Human Genetics, Univ. Regensburg, Univ. Regensburg); PubMed 1547381 (cited by Labcorp Genetics (formerly Invitae), Labcorp and Laboratory for Molecular Medicine, Mass General Brigham Personalized Medicine); PubMed 24119292 (cited by Labcorp Genetics (formerly Invitae), Labcorp and Laboratory for Molecular Medicine, Mass General Brigham Personalized Medicine); PubMed 24014240 (cited by Labcorp Genetics (formerly Invitae), Labcorp and Laboratory for Molecular Medicine, Mass General Brigham Personalized Medicine); PubMed 8765219 (cited by Labcorp Genetics (formerly Invitae), Labcorp and Laboratory for Molecular Medicine, Mass General Brigham Personalized Medicine); PubMed 20880255 (cited by Labcorp Genetics (formerly Invitae), Labcorp and Laboratory for Molecular Medicine, Mass General Brigham Personalized Medicine); PubMed 27838551 (cited by Laboratory for Molecular Medicine, Mass General Brigham Personalized Medicine); PubMed 18435454 (cited by Laboratory for Molecular Medicine, Mass General Brigham Personalized Medicine); PubMed 29883906 (cited by Laboratory for Molecular Medicine, Mass General Brigham Personalized Medicine); PubMed 18841302 (cited by Illumina Laboratory Services, Illumina); PubMed 15456488 (cited by Department of Transfusion Medicine and Hemostaseology, University Hospital Erlangen); PubMed 2526663 (cited by OMIM).